The following is an entry in ClinVar:

ClinVar aggregate classification (germline): Uncertain significance. Review status: criteria provided, multiple submitters, no conflicts (2 of 4 stars). 2 submissions from 2 submitters: Uncertain significance (2). Last evaluated 2025-06-09.

Allele frequency attached by ClinVar (database versions not stated): gnomAD 0.00002; TOPMed 0.00002; gnomAD exomes 0.00007.
gnomAD v4.1: 97 of 1,499,696 alleles (0.0065%); highest among the groups gnomAD compares: Non-Finnish European, 0.0084%; no homozygotes.

Submissions (2):

Labcorp Genetics (formerly Invitae), Labcorp
Classification: Uncertain significance. Last evaluated: 2025-06-09. Review status: criteria provided, single submitter. Criteria: Invitae Variant Classification Sherloc (09022015). Collection method: clinical testing. Allele origin: germline.
Comment: This sequence change affects codon 867 of the AP3D1 mRNA. It is a 'silent' change, meaning that it does not change the encoded amino acid sequence of the AP3D1 protein. This variant also falls at the last nucleotide of exon 22, which is part of the consensus splice site for this exon. The frequency data for this variant in the population databases is considered unreliable, as metrics indicate poor data quality at this position in the gnomAD database. This variant has not been reported in the literature in individuals affected with AP3D1-related conditions. ClinVar contains an entry for this variant (Variation ID: 2180875). Variants that disrupt the consensus splice site are a relatively common cause of aberrant splicing (PMID: 17576681, 9536098). Algorithms developed to predict the effect of sequence changes on RNA splicing suggest that this variant may disrupt the consensus splice site. In summary, the available evidence is currently insufficient to determine the role of this variant in disease. Therefore, it has been classified as a Variant of Uncertain Significance.

Mayo Clinic Laboratories, Mayo Clinic
Classification: Uncertain significance. Last evaluated: 2023-09-12. Review status: criteria provided, single submitter. Criteria: ACMG Guidelines, 2015. Collection method: clinical testing. Allele origin: germline. Observed: 1 variant allele.

Literature cited by the submitters: PubMed 17576681 (cited by Labcorp Genetics (formerly Invitae), Labcorp); PubMed 9536098 (cited by Labcorp Genetics (formerly Invitae), Labcorp).

NM_001261826.3(AP3D1):c.2601G>A (p.Lys867=)

Gene: AP3D1 (adaptor related protein complex 3 subunit delta 1; minus strand). Cytogenetic location: 19p13.3.
Variant type: single nucleotide variant.
Coding change: c.2601G>A on transcript NM_001261826.3 (MANE Select); coding-DNA position 2601, G replaced by A.
Protein change: p.Lys867=; no amino-acid change (lysine 867 retained).
Molecular consequence: synonymous variant.
Genome position (GRCh38, 1-based): chr19:2,114,125, C>T on the plus strand (G>A on the coding strand, the complement: AP3D1 is on the minus strand). VCF-style: chr19-2114125-C-T. GRCh37 (hg19) VCF-style: chr19-2114124-C-T.
Other names: p.Lys867=; c.2601G>A, p.Lys867= (NM_001374799.1, NM_003938.8).
Identifiers: ClinVar variation 2180875 (VCV002180875.5), dbSNP rs1201395660, ClinGen allele CA504773433.
Genomic context (GRCh38, chr19:2,114,125, plus strand): 5'-TGGGAGTTCACGGCAAGGGAGGGGAATGGAGAAGGCCGCCGCCCTGGGCACTAGCCTTAC[C>T]TTCTTCTCCTTCTCCTTCTTCTTCTCCTTGTCTCTCTCTTTCTCTTTGTGTTTTTTCTCT-3'
Protein context (NP_001248755.1, residues 857-877): DKEKKKEKEK[Lys867=]AEDLDFWLST